The following is an entry in ClinVar:

NM_006576.4(AVIL):c.87G>A (p.Val29=)

Gene: AVIL (advillin; minus strand). Cytogenetic location: 12q14.1.
Variant type: single nucleotide variant.
Coding change: c.87G>A on transcript NM_006576.4 (MANE Select); coding-DNA position 87, G replaced by A.
Protein change: p.Val29=; no amino-acid change (valine 29 retained).
Molecular consequence: synonymous variant.
Genome position (GRCh38, 1-based): chr12:57,814,206, C>T on the plus strand (G>A on the coding strand, the complement: AVIL is on the minus strand). VCF-style: chr12-57814206-C-T. GRCh37 (hg19) VCF-style: chr12-58207989-C-T.
Identifiers: ClinVar variation 3052545 (VCV003052545.2), dbSNP rs201733211, ClinGen allele CA6660304.

ClinVar aggregate classification (germline): Likely benign (0 of 4 stars; one submission).

Conditions:
AVIL-related disorder. Also called: AVIL-related condition.

Allele frequency attached by ClinVar (database versions not stated): gnomAD 0.00011; gnomAD exomes 0.00012; 1000 Genomes Project 0.00020; TOPMed 0.00026; 1000 Genomes Project 30x 0.00031; ExAC 0.00031.
gnomAD v4.1: 182 of 1,613,098 alleles (0.011%); highest among the groups gnomAD compares: East Asian, 0.39%; 1 homozygote.

Submission:

PreventionGenetics, part of Exact Sciences
Classification: Likely benign for AVIL-related condition. Last evaluated: 2022-12-19. Review status: no assertion criteria provided. Collection method: clinical testing. Allele origin: germline.
Comment: This variant is classified as likely benign based on ACMG/AMP sequence variant interpretation guidelines (Richards et al. 2015 PMID: 25741868, with internal and published modifications).